The following is an entry in ClinVar:

NM_001256545.2(MEGF10):c.980T>C (p.Val327Ala)

Gene: MEGF10 (multiple EGF like domains 10; plus strand). Cytogenetic location: 5q23.2.
Variant type: single nucleotide variant.
Coding change: c.980T>C on transcript NM_001256545.2 (MANE Select); coding-DNA position 980, T replaced by C.
Protein change: p.Val327Ala; replaces valine 327 with alanine.
Molecular consequence: missense variant.
Genome position (GRCh38, 1-based): chr5:127,410,451, T>C. VCF-style: chr5-127410451-T-C. GRCh37 (hg19) VCF-style: chr5-126746143-T-C.
Other names: c.980T>C, p.Val327Ala (NM_001308119.2, NM_001308121.2, NM_032446.3); short protein forms V327A.
Identifiers: ClinVar variation 2006045 (VCV002006045.4), dbSNP rs2479677804, ClinGen allele CA360726029.

ClinVar aggregate classification (germline): Uncertain significance (1 of 4 stars; one submission).

Conditions:
MEGF10-related myopathy (CMYO10A). Also called: Congenital myopathy 10A, severe variant. Identifiers: Orphanet 439212, MedGen C3280679, MONDO:0013731, OMIM 614399.

Submission:

Labcorp Genetics (formerly Invitae), Labcorp
Classification: Uncertain significance for MEGF10-related myopathy. Last evaluated: 2022-06-21. Review status: criteria provided, single submitter. Criteria: Invitae Variant Classification Sherloc (09022015). Collection method: clinical testing. Allele origin: germline.
Comment: This sequence change replaces valine, which is neutral and non-polar, with alanine, which is neutral and non-polar, at codon 327 of the MEGF10 protein (p.Val327Ala). This variant is not present in population databases (gnomAD no frequency). In summary, the available evidence is currently insufficient to determine the role of this variant in disease. Therefore, it has been classified as a Variant of Uncertain Significance. Algorithms developed to predict the effect of missense changes on protein structure and function are either unavailable or do not agree on the potential impact of this missense change (SIFT: "Deleterious"; PolyPhen-2: "Benign"; Align-GVGD: "Class C25"). This variant has not been reported in the literature in individuals affected with MEGF10-related conditions.